The following is an entry in ClinVar:

NM_006767.4(LZTR1):c.917C>A (p.Thr306Lys)

Gene: LZTR1 (leucine zipper like post translational regulator 1; plus strand). Cytogenetic location: 22q11.21.
Variant type: single nucleotide variant.
Coding change: c.917C>A on transcript NM_006767.4 (MANE Select); coding-DNA position 917, C replaced by A.
Protein change: p.Thr306Lys; replaces threonine 306 with lysine.
Molecular consequence: missense variant.
Genome position (GRCh38, 1-based): chr22:20,991,753, C>A. VCF-style: chr22-20991753-C-A. GRCh37 (hg19) VCF-style: chr22-21346042-C-A.
Other names: short protein forms T306K.
Identifiers: ClinVar variation 2086763 (VCV002086763.5), dbSNP rs1214662056, ClinGen allele CA410781419.
Genomic context (GRCh38, chr22:20,991,753, plus strand): 5'-GGCATACCATGGTGGCCTTTGACCGCCACCTCTATGTGTTTGGGGGTGCGGCCGACAACA[C>A]GCTGCCCAACGAGCTGCACTGCTATGACGTGGACTTCCAGACCTGGGAGGTCGTCCAGCC-3'
Protein context (NP_006758.2, residues 296-316): LYVFGGAADN[Thr306Lys]LPNELHCYDV

ClinVar aggregate classification (germline): Uncertain significance. Review status: criteria provided, multiple submitters, no conflicts (2 of 4 stars). 2 submissions from 2 submitters: Uncertain significance (2). Last evaluated 2023-10-13.

Submissions (2):

Blueprint Genetics
Classification: Uncertain significance. Last evaluated: 2023-10-13. Review status: criteria provided, single submitter. Criteria: ACMG Guidelines, 2015. Collection method: clinical testing. Allele origin: germline.

Labcorp Genetics (formerly Invitae), Labcorp
Classification: Uncertain significance. Last evaluated: 2022-01-23. Review status: criteria provided, single submitter. Criteria: Invitae Variant Classification Sherloc (09022015). Collection method: clinical testing. Allele origin: germline.
Comment: This sequence change replaces threonine, which is neutral and polar, with lysine, which is basic and polar, at codon 306 of the LZTR1 protein (p.Thr306Lys). This variant is not present in population databases (gnomAD no frequency). In summary, the available evidence is currently insufficient to determine the role of this variant in disease. Therefore, it has been classified as a Variant of Uncertain Significance. Algorithms developed to predict the effect of missense changes on protein structure and function are either unavailable or do not agree on the potential impact of this missense change (SIFT: "Deleterious"; PolyPhen-2: "Benign"; Align-GVGD: "Class C0"). This variant has not been reported in the literature in individuals affected with LZTR1-related conditions.